The following is an entry in ClinVar:

ClinVar aggregate classification (germline): Uncertain significance. Review status: criteria provided, single submitter (1 of 4 stars). 2 submissions from 2 submitters: Uncertain significance (1). 1 of the submissions does not count toward it. Last evaluated 2025-11-09.

Conditions:
Dyskeratosis congenita. Identifiers: Orphanet 1775, MedGen C0265965, MONDO:0015780.
TINF2-related disorder. Also called: TINF2-related condition.

Allele frequency attached by ClinVar (database versions not stated): gnomAD exomes below 0.00001 and 0.00001; gnomAD 0.00001; TOPMed 0.00001; ExAC 0.00002; 1000 Genomes Project 30x 0.00016; 1000 Genomes Project 0.00020.
gnomAD v4.1: 2 of 1,614,176 alleles (0.00012%); highest among the groups gnomAD compares: East Asian, 0.0045%; no homozygotes.

Submissions (2):

Labcorp Genetics (formerly Invitae), Labcorp
Classification: Uncertain significance for Dyskeratosis congenita. Last evaluated: 2025-11-09. Review status: criteria provided, single submitter. Criteria: Invitae Variant Classification Sherloc (09022015). Collection method: clinical testing. Allele origin: germline.
Comment: This sequence change replaces aspartic acid, which is acidic and polar, with valine, which is neutral and non-polar, at codon 446 of the TINF2 protein (p.Asp446Val). This variant is present in population databases (rs532096263, gnomAD 0.006%). This variant has not been reported in the literature in individuals affected with TINF2-related conditions. ClinVar contains an entry for this variant (Variation ID: 529171). An algorithm developed to predict the effect of missense changes on protein structure and function (PolyPhen-2) suggests that this variant is likely to be disruptive. In summary, the available evidence is currently insufficient to determine the role of this variant in disease. Therefore, it has been classified as a Variant of Uncertain Significance.

PreventionGenetics, part of Exact Sciences
Classification: Uncertain significance for TINF2-related condition. Last evaluated: 2024-04-17. Review status: no assertion criteria provided. Collection method: clinical testing. Allele origin: germline. Not counted in ClinVar's aggregate classification.
Comment: The TINF2 c.1337A>T variant is predicted to result in the amino acid substitution p.Asp446Val. To our knowledge, this variant has not been reported in the literature. This variant is reported in 0.011% of alleles in individuals of East Asian descent in gnomAD. At this time, the clinical significance of this variant is uncertain due to the absence of conclusive functional and genetic evidence.

NM_001099274.3(TINF2):c.1337A>T (p.Asp446Val)

Gene: TINF2 (TERF1 interacting nuclear factor 2; minus strand). Cytogenetic location: 14q12.
Variant type: single nucleotide variant.
Coding change: c.1337A>T on transcript NM_001099274.3 (MANE Select); coding-DNA position 1337, A replaced by T.
Protein change: p.Asp446Val; replaces aspartic acid 446 with valine.
Molecular consequence: missense variant. On other transcripts: 3 prime UTR variant (1).
Genome position (GRCh38, 1-based): chr14:24,239,816, T>A on the plus strand (A>T on the coding strand, the complement: TINF2 is on the minus strand). VCF-style: chr14-24239816-T-A. GRCh37 (hg19) VCF-style: chr14-24709022-T-A.
Other names: c.1232A>T, p.Asp411Val (NM_001363668.2); c.*599A>T (NM_012461.3); short protein forms D446V, D411V.
Identifiers: ClinVar variation 529171 (VCV000529171.11), dbSNP rs532096263, ClinGen allele CA7130406.